The following is an entry in ClinVar:

ClinVar aggregate classification (germline): Benign/Likely benign. Review status: criteria provided, multiple submitters, no conflicts (2 of 4 stars). 7 submissions from 7 submitters: Benign (1); Likely benign (4). 2 of the submissions do not count toward it. Last evaluated 2026-01-12.

Allele frequency attached by ClinVar (database versions not stated): 1000 Genomes Project 0.00100; TOPMed 0.00105; 1000 Genomes Project 30x 0.00109; ESP Exome Variant Server 0.00127; gnomAD 0.00163 and 0.00166; gnomAD exomes 0.00197; ExAC 0.00325.
gnomAD v4.1: 2,723 of 1,608,430 alleles (0.17%); highest among the groups gnomAD compares: South Asian, 0.24%; 3 homozygotes.

Submissions (7):

Labcorp Genetics (formerly Invitae), Labcorp
Classification: Benign. Last evaluated: 2026-01-12. Review status: criteria provided, single submitter. Criteria: Invitae Variant Classification Sherloc (09022015). Collection method: clinical testing. Allele origin: germline.

Blueprint Genetics
Classification: Likely benign. Last evaluated: 2024-11-21. Review status: criteria provided, single submitter. Criteria: ACMG Guidelines, 2015. Collection method: clinical testing. Allele origin: germline.

CeGaT Center for Human Genetics Tuebingen
Classification: Likely benign. Last evaluated: 2023-03-01. Review status: criteria provided, single submitter. Criteria: CeGaT Center For Human Genetics Tuebingen Variant Classification Criteria Version 2. Collection method: clinical testing. Allele origin: germline. Affected: yes. Observed: 2 variant alleles.
Comment: FSCN2: BP4, BP7

Eurofins Ntd Llc (ga)
Classification: Likely benign. Last evaluated: 2016-08-15. Review status: criteria provided, single submitter. Criteria: EGL Classification Definitions 2015. Collection method: clinical testing. Allele origin: germline. Observed: 1 variant allele, 1 heterozygote.

Breakthrough Genomics
Classification: Likely benign. Review status: criteria provided, single submitter. Criteria: ACMG Guidelines, 2015. Collection method: not provided. Allele origin: germline. Inheritance: Unknown mechanism. Affected: yes.

Clinical Genetics DNA and cytogenetics Diagnostics Lab, Erasmus MC, Erasmus Medical Center
Classification: Likely benign. Review status: no assertion criteria provided. Collection method: clinical testing. Allele origin: germline. Affected: yes. Study: VKGL Data-share Consensus. Not counted in ClinVar's aggregate classification.

Clinical Genetics, Academic Medical Center
Classification: Benign. Review status: no assertion criteria provided. Collection method: clinical testing. Allele origin: germline. Affected: yes. Study: VKGL Data-share Consensus. Not counted in ClinVar's aggregate classification.

NM_012418.4(FSCN2):c.48C>T (p.Leu16=)

Gene: FSCN2 (fascin actin-bundling protein 2, retinal; plus strand). Cytogenetic location: 17q25.3.
Variant type: single nucleotide variant.
Coding change: c.48C>T on transcript NM_012418.4 (MANE Select); coding-DNA position 48, C replaced by T.
Protein change: p.Leu16=; no amino-acid change (leucine 16 retained).
Molecular consequence: synonymous variant.
Genome position (GRCh38, 1-based): chr17:81,528,579, C>T. VCF-style: chr17-81528579-C-T. GRCh37 (hg19) VCF-style: chr17-79495605-C-T.
Other names: c.48C>T, p.Leu16= (NM_001077182.3).
Identifiers: ClinVar variation 289847 (VCV000289847.44), dbSNP rs199668780, ClinGen allele CA8836566.